The following is an entry in ClinVar:

ClinVar aggregate classification (germline): Uncertain significance (1 of 4 stars; one submission).

gnomAD v4.1: 4 of 1,608,972 alleles (0.00025%); highest among the groups gnomAD compares: East Asian, 0.0067%; no homozygotes.

Submission:

CeGaT Center for Human Genetics Tuebingen
Classification: Uncertain significance. Last evaluated: 2025-06-01. Review status: criteria provided, single submitter. Criteria: CeGaT Center For Human Genetics Tuebingen Variant Classification Criteria Version 2. Collection method: clinical testing. Allele origin: germline. Affected: yes. Observed: 1 variant allele.
Comment: FREM1: PM2, BP4

NM_001379081.2(FREM1):c.1691C>A (p.Pro564His)

Gene: FREM1 (FRAS1 related extracellular matrix 1; minus strand). Cytogenetic location: 9p22.3.
Variant type: single nucleotide variant.
Coding change: c.1691C>A on transcript NM_001379081.2 (MANE Select); coding-DNA position 1691, C replaced by A.
Protein change: p.Pro564His; replaces proline 564 with histidine.
Molecular consequence: missense variant. On other transcripts: non-coding transcript variant (2).
Genome position (GRCh38, 1-based): chr9:14,842,363, G>T on the plus strand (C>A on the coding strand, the complement: FREM1 is on the minus strand). VCF-style: chr9-14842363-G-T. GRCh37 (hg19) VCF-style: chr9-14842361-G-T.
Other names: c.1691C>A, p.Pro564His (NM_144966.7); short protein forms P564H.
Identifiers: ClinVar variation 3905451 (VCV003905451.10).